The following is an entry in ClinVar:

NM_006509.4(RELB):c.38C>T (p.Pro13Leu)

Genes: RELB (RELB proto-oncogene, NF-kB subunit; plus strand), LOC130064661 (ATAC-STARR-seq lymphoblastoid silent region 10746; plus strand). Cytogenetic location: 19q13.32.
Variant type: single nucleotide variant.
Coding change: c.38C>T on transcript NM_006509.4 (MANE Select); coding-DNA position 38, C replaced by T.
Protein change: p.Pro13Leu; replaces proline 13 with leucine.
Molecular consequence: missense variant.
Genome position (GRCh38, 1-based): chr19:45,001,617, C>T. VCF-style: chr19-45001617-C-T. GRCh37 (hg19) VCF-style: chr19-45504875-C-T.
Other names: short protein forms P13L.
Identifiers: ClinVar variation 1005629 (VCV001005629.9), dbSNP rs1054082920, ClinGen allele CA308925614.

ClinVar aggregate classification (germline): Uncertain significance (1 of 4 stars; one submission).

Allele frequency attached by ClinVar (database versions not stated): gnomAD 0.00001; gnomAD exomes 0.00004; TOPMed 0.00005.
gnomAD v4.1: 10 of 1,519,624 alleles (0.00066%); highest among the groups gnomAD compares: Admixed American, 0.01%; no homozygotes.

Submission:

Labcorp Genetics (formerly Invitae), Labcorp
Classification: Uncertain significance. Last evaluated: 2025-10-20. Review status: criteria provided, single submitter. Criteria: Invitae Variant Classification Sherloc (09022015). Collection method: clinical testing. Allele origin: germline.
Comment: This sequence change replaces proline, which is neutral and non-polar, with leucine, which is neutral and non-polar, at codon 13 of the RELB protein (p.Pro13Leu). This variant is present in population databases (no rsID available, gnomAD 0.02%). This variant has not been reported in the literature in individuals affected with RELB-related conditions. ClinVar contains an entry for this variant (Variation ID: 1005629). An algorithm developed to predict the effect of missense changes on protein structure and function outputs the following: PolyPhen-2: "Benign". The leucine amino acid residue is found in multiple mammalian species, which suggests that this missense change does not adversely affect protein function. In summary, the available evidence is currently insufficient to determine the role of this variant in disease. Therefore, it has been classified as a Variant of Uncertain Significance.